The following is an entry in ClinVar:

NM_017617.5(NOTCH1):c.637C>T (p.Pro213Ser)

Gene: NOTCH1 (notch receptor 1; minus strand). Cytogenetic location: 9q34.3.
Variant type: single nucleotide variant.
Coding change: c.637C>T on transcript NM_017617.5 (MANE Select); coding-DNA position 637, C replaced by T.
Protein change: p.Pro213Ser; replaces proline 213 with serine.
Molecular consequence: missense variant.
Genome position (GRCh38, 1-based): chr9:136,522,955, G>A on the plus strand (C>T on the coding strand, the complement: NOTCH1 is on the minus strand). VCF-style: chr9-136522955-G-A. GRCh37 (hg19) VCF-style: chr9-139417407-G-A.
Other names: short protein forms P213S.
Identifiers: ClinVar variation 2720892 (VCV002720892.3), dbSNP rs1468714810, ClinGen allele CA375569743.

ClinVar aggregate classification (germline): Uncertain significance (1 of 4 stars; one submission).

Conditions:
Adams-Oliver syndrome 5 (AOS5). Identifiers: Orphanet 974, MedGen C4014970, MONDO:0014459, OMIM 616028.

Submission:

Labcorp Genetics (formerly Invitae), Labcorp
Classification: Uncertain significance for Adams-Oliver syndrome 5. Last evaluated: 2023-05-09. Review status: criteria provided, single submitter. Criteria: Invitae Variant Classification Sherloc (09022015). Collection method: clinical testing. Allele origin: germline.
Comment: This sequence change replaces proline, which is neutral and non-polar, with serine, which is neutral and polar, at codon 213 of the NOTCH1 protein (p.Pro213Ser). This variant is not present in population databases (gnomAD no frequency). This variant has not been reported in the literature in individuals affected with NOTCH1-related conditions. Advanced modeling of protein sequence and biophysical properties (such as structural, functional, and spatial information, amino acid conservation, physicochemical variation, residue mobility, and thermodynamic stability) performed at Invitae indicates that this missense variant is not expected to disrupt NOTCH1 protein function. In summary, the available evidence is currently insufficient to determine the role of this variant in disease. Therefore, it has been classified as a Variant of Uncertain Significance.